The following is an entry in ClinVar:

ClinVar aggregate classification (germline): Uncertain significance. Review status: criteria provided, multiple submitters, no conflicts (2 of 4 stars). 2 submissions from 2 submitters: Uncertain significance (2). Last evaluated 2023-11-08.

Conditions:
Rubinstein-Taybi syndrome (RSTS). Identifiers: Orphanet 783, MedGen C0035934, MONDO:0019188.
Inborn genetic diseases. Identifiers: MedGen C0950123, MeSH D030342.

Allele frequency attached by ClinVar (database versions not stated): ExAC 0.00001; gnomAD exomes 0.00001.
gnomAD v4.1: 3 of 1,614,196 alleles (0.00019%); highest among the groups gnomAD compares: Admixed American, 0.005%; no homozygotes.

Submissions (2):

Labcorp Genetics (formerly Invitae), Labcorp
Classification: Uncertain significance for Rubinstein-Taybi syndrome. Last evaluated: 2023-11-08. Review status: criteria provided, single submitter. Criteria: Invitae Variant Classification Sherloc (09022015). Collection method: clinical testing. Allele origin: germline.
Comment: This sequence change replaces alanine, which is neutral and non-polar, with glycine, which is neutral and non-polar, at codon 1830 of the CREBBP protein (p.Ala1830Gly). This variant is present in population databases (rs763643418, gnomAD 0.006%). This variant has not been reported in the literature in individuals affected with CREBBP-related conditions. ClinVar contains an entry for this variant (Variation ID: 1747832). Advanced modeling of protein sequence and biophysical properties (such as structural, functional, and spatial information, amino acid conservation, physicochemical variation, residue mobility, and thermodynamic stability) performed at Invitae indicates that this missense variant is expected to disrupt CREBBP protein function with a positive predictive value of 95%. In summary, the available evidence is currently insufficient to determine the role of this variant in disease. Therefore, it has been classified as a Variant of Uncertain Significance.

Ambry Genetics
Classification: Uncertain significance for Inborn genetic diseases. Last evaluated: 2019-03-02. Review status: criteria provided, single submitter. Criteria: Ambry Variant Classification Scheme 2023. Collection method: clinical testing. Allele origin: germline.
Comment: The p.A1830G variant (also known as c.5489C>G), located in coding exon 31 of the CREBBP gene, results from a C to G substitution at nucleotide position 5489. The alanine at codon 1830 is replaced by glycine, an amino acid with similar properties. This amino acid position is highly conserved in available vertebrate species. In addition, this alteration is predicted to be deleterious by in silico analysis. Since supporting evidence is limited at this time, the clinical significance of this alteration remains unclear.

NM_004380.3(CREBBP):c.5489C>G (p.Ala1830Gly)

Gene: CREBBP (CREB binding lysine acetyltransferase; minus strand). Cytogenetic location: 16p13.3.
Variant type: single nucleotide variant.
Coding change: c.5489C>G on transcript NM_004380.3 (MANE Select); coding-DNA position 5489, C replaced by G.
Protein change: p.Ala1830Gly; replaces alanine 1830 with glycine.
Molecular consequence: missense variant.
Genome position (GRCh38, 1-based): chr16:3,729,558, G>C on the plus strand (C>G on the coding strand, the complement: CREBBP is on the minus strand). VCF-style: chr16-3729558-G-C. GRCh37 (hg19) VCF-style: chr16-3779559-G-C.
Other names: c.5375C>G, p.Ala1792Gly (NM_001079846.1); short protein forms A1830G, A1792G.
Identifiers: ClinVar variation 1747832 (VCV001747832.7), dbSNP rs763643418, ClinGen allele CA7869275.